The following is an entry in ClinVar:

ClinVar aggregate classification (germline): Uncertain significance (1 of 4 stars; one submission).

Conditions:
Peroxisome biogenesis disorder, complementation group K (CGK). Identifiers: MedGen C1866257, MONDO:0800365.

Allele frequency attached by ClinVar (database versions not stated): TOPMed 0.00002; gnomAD exomes 0.00001.
gnomAD v4.1: 7 of 1,608,690 alleles (0.00044%); highest among the groups gnomAD compares: Non-Finnish European, 0.00059%; no homozygotes.

Submission:

Labcorp Genetics (formerly Invitae), Labcorp
Classification: Uncertain significance for Peroxisome biogenesis disorder, complementation group K. Last evaluated: 2022-01-07. Review status: criteria provided, single submitter. Criteria: Invitae Variant Classification Sherloc (09022015). Collection method: clinical testing. Allele origin: germline.
Comment: In summary, the available evidence is currently insufficient to determine the role of this variant in disease. Therefore, it has been classified as a Variant of Uncertain Significance. Algorithms developed to predict the effect of missense changes on protein structure and function are either unavailable or do not agree on the potential impact of this missense change (SIFT: "Deleterious"; PolyPhen-2: "Possibly Damaging"; Align-GVGD: "Class C0"). This variant has not been reported in the literature in individuals affected with PEX14-related conditions. The frequency data for this variant in the population databases is considered unreliable, as metrics indicate poor data quality at this position in the gnomAD database. This sequence change replaces serine, which is neutral and polar, with phenylalanine, which is neutral and non-polar, at codon 286 of the PEX14 protein (p.Ser286Phe).

NM_004565.3(PEX14):c.857C>T (p.Ser286Phe)

Gene: PEX14 (peroxisomal biogenesis factor 14; plus strand). Cytogenetic location: 1p36.22.
Variant type: single nucleotide variant.
Coding change: c.857C>T on transcript NM_004565.3 (MANE Select); coding-DNA position 857, C replaced by T.
Protein change: p.Ser286Phe; replaces serine 286 with phenylalanine.
Molecular consequence: missense variant.
Genome position (GRCh38, 1-based): chr1:10,629,710, C>T. VCF-style: chr1-10629710-C-T. GRCh37 (hg19) VCF-style: chr1-10689767-C-T.
Other names: short protein forms S286F.
Identifiers: ClinVar variation 2072009 (VCV002072009.4), dbSNP rs1223454336, ClinGen allele CA338338931.